The following is an entry in ClinVar:

NM_003052.5(SLC34A1):c.1687_1688del (p.Arg564fs)

Gene: SLC34A1 (solute carrier family 34 member 1; plus strand). Cytogenetic location: 5q35.3.
Variant type: Microsatellite.
Coding change: c.1687_1688del on transcript NM_003052.5 (MANE Select); coding-DNA positions 1687 to 1688, 2 bases deleted (AG; older notation c.1687_1688delAG).
Protein change: p.Arg564fs; shifts the reading frame from arginine 564.
Molecular consequence: frameshift variant.
Genome position (GRCh38, 1-based): chr5:177,398,053-177,398,054, AG deleted; deleting any 2 consecutive bases within chr5:177,398,051-177,398,054 gives the same sequence; the c. name uses the placement nearest the transcript's 3' end. VCF-style (leftmost placement, unchanged base first): chr5-177398050-CAG-C. GRCh37 (hg19) VCF-style: chr5-176825051-CAG-C.
Other names: short protein forms R564fs.
Identifiers: ClinVar variation 3772623 (VCV003772623.13).

ClinVar aggregate classification (germline): Likely pathogenic (1 of 4 stars; one submission).

Submission:

CeGaT Center for Human Genetics Tuebingen
Classification: Likely pathogenic. Last evaluated: 2026-08-01. Review status: criteria provided, single submitter. Criteria: CeGaT Center For Human Genetics Tuebingen Variant Classification Criteria Version 2. Collection method: clinical testing. Allele origin: germline. Affected: yes. Observed: 3 variant alleles.
Comment: SLC34A1: PVS1:Strong, PM2, PM3:Supporting